The following is an entry in ClinVar:

ClinVar aggregate classification (germline): Uncertain significance. Review status: criteria provided, single submitter (1 of 4 stars). 2 submissions from 2 submitters: Uncertain significance (1). 1 of the submissions does not count toward it. Last evaluated 2025-10-13.

Conditions:
CBL-related disorder. Also called: CBL MUTATION-ASSOCIATED SYNDROME; CBL SYNDROME; NOONAN SYNDROME-LIKE DISORDER WITHOUT JUVENILE MYELOMONOCYTIC LEUKEMIA. Identifiers: Orphanet 363972, MedGen C3150803, MONDO:0013308, OMIM 613563.
RASopathy. Also called: rasopathies; Noonan spectrum disorder. Identifiers: Orphanet 536391, MedGen C5555857, MONDO:0021060.

gnomAD v4.1: 1 of 1,614,058 alleles (0.000062%); highest among the groups gnomAD compares: Non-Finnish European, 0.000085%; no homozygotes.

Submissions (2):

Labcorp Genetics (formerly Invitae), Labcorp
Classification: Uncertain significance for RASopathy. Last evaluated: 2025-10-13. Review status: criteria provided, single submitter. Criteria: Invitae Variant Classification Sherloc (09022015). Collection method: clinical testing. Allele origin: germline.
Comment: This sequence change replaces glycine, which is neutral and non-polar, with serine, which is neutral and polar, at codon 413 of the CBL protein (p.Gly413Ser). This variant is not present in population databases (gnomAD no frequency). This variant has not been reported in the literature in individuals affected with CBL-related conditions. ClinVar contains an entry for this variant (Variation ID: 1517742). Invitae Evidence Modeling of protein sequence and biophysical properties (such as structural, functional, and spatial information, amino acid conservation, physicochemical variation, residue mobility, and thermodynamic stability) has been performed for this missense variant. However, the output from this modeling did not meet the statistical confidence thresholds required to predict the impact of this variant on CBL protein function. In summary, the available evidence is currently insufficient to determine the role of this variant in disease. Therefore, it has been classified as a Variant of Uncertain Significance.

PreventionGenetics, part of Exact Sciences
Classification: Uncertain significance for CBL-related condition. Last evaluated: 2024-08-27. Review status: no assertion criteria provided. Collection method: clinical testing. Allele origin: germline. Not counted in ClinVar's aggregate classification.
Comment: The CBL c.1237G>A variant is predicted to result in the amino acid substitution p.Gly413Ser. To our knowledge, this variant has not been reported in the literature or in a large population database, indicating this variant is rare. At this time, the clinical significance of this variant is uncertain due to the absence of conclusive functional and genetic evidence.

NM_005188.4(CBL):c.1237G>A (p.Gly413Ser)

Gene: CBL (Cbl proto-oncogene; plus strand). Cytogenetic location: 11q23.3.
Variant type: single nucleotide variant.
Coding change: c.1237G>A on transcript NM_005188.4 (MANE Select); coding-DNA position 1237, G replaced by A.
Protein change: p.Gly413Ser; replaces glycine 413 with serine.
Molecular consequence: missense variant.
Genome position (GRCh38, 1-based): chr11:119,278,519, G>A. VCF-style: chr11-119278519-G-A. GRCh37 (hg19) VCF-style: chr11-119149229-G-A.
Other names: c.1237G>A (NM_005188.3); short protein forms G413S.
Identifiers: ClinVar variation 1517742 (VCV001517742.7), dbSNP rs371679886, ClinGen allele CA382913708.